The following is an entry in ClinVar:

ClinVar aggregate classification (germline): Uncertain significance (1 of 4 stars; one submission).

Conditions:
early-onset neurohypophyseal diabetes insipidus.

Submission:

Kasturba Medical College, Manipal, Kasturba Medical College, Manipal, Manipal Academy of Higher Education, Manipal, India
Classification: Uncertain significance for early-onset neurohypophyseal diabetes insipidus. Review status: criteria provided, single submitter. Criteria: ACMG Guidelines, 2015. Collection method: research. Allele origin: biparental. Inheritance: Autosomal recessive inheritance. Affected: yes. Observed: 1 homozygote.
Comment: This variant is absent in homozygous and/or heterozygous state in the gnomAD (v4.1.0) population database and our in-house exome data of 3396 individuals. This variant is predicted to introduce a premature termination codon which may either cause the transcript to undergo NMD or result in a truncated protein product. Bi-allelic loss of function variants in AVP have been previously reported to cause early-onset neurohypophyseal diabetes insipidus (Abu Libdeh et al., 2010; Christensen et al., 2013; Willcutts et al., 1999).

Literature cited by the submitters: PubMed 19897608; PubMed 22168581; PubMed 10369876.

NM_000490.5(AVP):c.195C>A (p.Cys65Ter)

Gene: AVP (arginine vasopressin; minus strand). Cytogenetic location: 20p13.
Variant type: single nucleotide variant.
Coding change: c.195C>A on transcript NM_000490.5 (MANE Select); coding-DNA position 195, C replaced by A.
Protein change: p.Cys65Ter; replaces cysteine 65 with a stop codon.
Molecular consequence: nonsense.
Genome position (GRCh38, 1-based): chr20:3,083,104, G>T on the plus strand (C>A on the coding strand, the complement: AVP is on the minus strand). VCF-style: chr20-3083104-G-T. GRCh37 (hg19) VCF-style: chr20-3063750-G-T.
Other names: short protein forms C65*.
Identifiers: ClinVar variation 3766446 (VCV003766446.2).